The following is an entry in ClinVar:

NM_000245.4(MET):c.324A>C (p.Ser108=)

Gene: MET (MET proto-oncogene, receptor tyrosine kinase; plus strand). Cytogenetic location: 7q31.2.
Variant type: single nucleotide variant.
Coding change: c.324A>C on transcript NM_000245.4 (MANE Select); coding-DNA position 324, A replaced by C.
Protein change: p.Ser108=; no amino-acid change (serine 108 retained).
Molecular consequence: synonymous variant. On other transcripts: intron variant (1).
Genome position (GRCh38, 1-based): chr7:116,699,408, A>C. VCF-style: chr7-116699408-A-C. GRCh37 (hg19) VCF-style: chr7-116339462-A-C.
Other names: c.324A>C, p.Ser108= (NM_001127500.3, NM_001324401.3); c.-91+26831A>C (NM_001324402.2).
Identifiers: ClinVar variation 3669004 (VCV003669004.4).

ClinVar aggregate classification (germline): Benign/Likely benign. Review status: criteria provided, multiple submitters, no conflicts (2 of 4 stars). 3 submissions from 3 submitters: Benign (1); Likely benign (2). Last evaluated 2026-03-31.

Conditions:
Renal cell carcinoma. Identifiers: Orphanet 217071, MedGen C0007134, MeSH D002292, MONDO:0005086, HP:0005584.
Hereditary cancer-predisposing syndrome. Also called: Hereditary neoplastic syndrome; Tumor predisposition; Hereditary Cancer Syndrome; Neoplastic Syndromes, Hereditary. Identifiers: Orphanet 140162, MedGen C0027672, MeSH D009386, MONDO:0015356.
Papillary renal cell carcinoma type 1 (RCCP1). Also called: RENAL CELL CARCINOMA, PAPILLARY, 1, SOMATIC; Renal adenocarcinoma; Renal cell carcinoma 1; Renal cell carcinoma, somatic. Identifiers: Orphanet 47044, MedGen C1336839, OMIM 605074, HP:0011797.

Submissions (3):

Ambry Genetics
Classification: Likely benign for Hereditary cancer-predisposing syndrome. Last evaluated: 2026-03-31. Review status: criteria provided, single submitter. Criteria: Ambry Variant Classification Scheme 2023. Collection method: clinical testing. Allele origin: germline.

Myriad Genetics, Inc.
Classification: Benign for Papillary renal cell carcinoma type 1. Last evaluated: 2024-11-06. Review status: criteria provided, single submitter. Criteria: Myriad Autosomal Dominant, Autosomal Recessive and X-Linked Classification Criteria (2023). Collection method: clinical testing. Allele origin: unknown.
Comment: This variant is considered benign. This variant is a silent/synonymous amino acid change and it is not expected to impact splicing.

Labcorp Genetics (formerly Invitae), Labcorp
Classification: Likely benign for Renal cell carcinoma. Last evaluated: 2024-05-29. Review status: criteria provided, single submitter. Criteria: Invitae Variant Classification Sherloc (09022015). Collection method: clinical testing. Allele origin: germline.